The following is an entry in ClinVar:

NM_016327.3(UPB1):c.706C>T (p.Arg236Trp)

Gene: UPB1 (beta-ureidopropionase 1; plus strand). Cytogenetic location: 22q11.23.
Variant type: single nucleotide variant.
Coding change: c.706C>T on transcript NM_016327.3 (MANE Select); coding-DNA position 706, C replaced by T.
Protein change: p.Arg236Trp; replaces arginine 236 with tryptophan.
Molecular consequence: missense variant.
Genome position (GRCh38, 1-based): chr22:24,515,285, C>T. VCF-style: chr22-24515285-C-T. GRCh37 (hg19) VCF-style: chr22-24911253-C-T.
Other names: short protein forms R236W.
Identifiers: ClinVar variation 4849015 (VCV004849015.2).

ClinVar aggregate classification (germline): Uncertain significance (1 of 4 stars; one submission).

gnomAD v4.1: 38 of 1,614,136 alleles (0.0024%); highest among the groups gnomAD compares: East Asian, 0.016%; no homozygotes.

Submission:

Women's Health and Genetics/Laboratory Corporation of America, LabCorp
Classification: Uncertain significance. Last evaluated: 2026-04-27. Review status: criteria provided, single submitter. Criteria: LabCorp Variant Classification Summary - May 2015. Collection method: clinical testing. Allele origin: germline.
Comment: Variant summary: UPB1 c.706C>T (p.Arg236Trp) results in a non-conservative amino acid change in the encoded protein sequence. Algorithms developed to predict the effect of missense changes on protein structure and function all suggest that this variant is likely to be disruptive. The variant allele was found at a frequency of 5.6e-05 in 251468 control chromosomes. This frequency is not significantly higher than estimated for disease-causing variants in UPB1, allowing no conclusion about variant significance. c.706C>T has been observed in one individual affected with Deficiency Of Beta-Ureidopropionase (van Kuilenburg_2012, Nakajima_2014). These reports do not provide unequivocal conclusions about association of the variant with Deficiency Of Beta-Ureidopropionase. At least one publication reports experimental evidence evaluating an impact on protein function and this variant affects UPB1 protein function (van Kuilenburg_2012). The following publications have been ascertained in the context of this evaluation (PMID: 24526388, 22525402). No submitters have cited clinical-significance assessments for this variant to ClinVar. Based on the evidence outlined above, the variant was classified as uncertain significance.

Literature cited by the submitters: PubMed 22525402; PubMed 24526388.